The following is an entry in ClinVar:

ClinVar aggregate classification (germline): Pathogenic (1 of 4 stars; one submission).

Conditions:
Fanconi anemia (FA). Also called: Fanconi's anemia. Identifiers: Orphanet 84, MedGen C0015625, MeSH D005199, MONDO:0019391.

Submission:

Labcorp Genetics (formerly Invitae), Labcorp
Classification: Pathogenic for Fanconi anemia. Last evaluated: 2023-05-19. Review status: criteria provided, single submitter. Criteria: Invitae Variant Classification Sherloc (09022015). Collection method: clinical testing. Allele origin: germline.
Comment: This sequence change creates a premature translational stop signal (p.Cys215*) in the FANCA gene. It is expected to result in an absent or disrupted protein product. Loss-of-function variants in FANCA are known to be pathogenic (PMID: 19367192). This variant is not present in population databases (gnomAD no frequency). This variant has not been reported in the literature in individuals affected with FANCA-related conditions. For these reasons, this variant has been classified as Pathogenic.

Literature cited by the submitters: PubMed 19367192.

NM_000135.4(FANCA):c.645C>A (p.Cys215Ter)

Gene: FANCA (FA complementation group A; minus strand). Cytogenetic location: 16q24.3.
Variant type: single nucleotide variant.
Coding change: c.645C>A on transcript NM_000135.4 (MANE Select); coding-DNA position 645, C replaced by A.
Protein change: p.Cys215Ter; replaces cysteine 215 with a stop codon.
Molecular consequence: nonsense.
Genome position (GRCh38, 1-based): chr16:89,805,344, G>T on the plus strand (C>A on the coding strand, the complement: FANCA is on the minus strand). VCF-style: chr16-89805344-G-T. GRCh37 (hg19) VCF-style: chr16-89871752-G-T.
Other names: c.645C>A, p.Cys215Ter (NM_001018112.3, NM_001286167.3); c.549C>A, p.Cys183Ter (NM_001351830.2); short protein forms C215*, C183*.
Identifiers: ClinVar variation 2865683 (VCV002865683.3), dbSNP rs1015551647, ClinGen allele CA397478028.